The following is an entry in ClinVar:

ClinVar aggregate classification (germline): Conflicting classifications of pathogenicity. Review status: criteria provided, conflicting classifications (1 of 4 stars). 4 submissions from 4 submitters: Uncertain significance (2); Benign (1). 1 of the submissions does not count toward it. Last evaluated 2026-02-25.

Conditions:
Hereditary cancer-predisposing syndrome. Also called: Neoplastic Syndromes, Hereditary; Tumor predisposition; Hereditary Cancer Syndrome; Hereditary neoplastic syndrome. Identifiers: Orphanet 140162, MedGen C0027672, MeSH D009386, MONDO:0015356.
Ataxia-telangiectasia syndrome (AT). Also called: Ataxia telangiectasia (A-T); ATAXIA-TELANGIECTASIA, COMPLEMENTATION GROUP A; ATAXIA-TELANGIECTASIA, FRESNO VARIANT; Ataxia-telangiectasia; Ataxia-telangiectasia, complementation group E; LOUIS-BAR SYNDROME. Identifiers: Orphanet 100, MedGen C0004135, MONDO:0008840, OMIM 208900.
Malignant tumor of breast. Also called: Malignant breast neoplasm; Cancer breast. Identifiers: MedGen C0006142, MONDO:0007254. Disease mechanism: loss of function.

Allele frequency attached by ClinVar (database versions not stated): gnomAD exomes below 0.00001.
gnomAD v4.1: 1 of 1,613,266 alleles (0.000062%); highest among the groups gnomAD compares: Admixed American, 0.0017%; no homozygotes.

Submissions (4):

Ambry Genetics
Classification: Benign for Hereditary cancer-predisposing syndrome. Last evaluated: 2026-02-25. Review status: criteria provided, single submitter. Criteria: Ambry Variant Classification Scheme 2023. Collection method: clinical testing. Allele origin: germline.

GeneDx
Classification: Uncertain significance. Last evaluated: 2025-03-07. Review status: criteria provided, single submitter. Criteria: GeneDx Variant Classification Process June 2021. Collection method: clinical testing. Allele origin: germline. Affected: yes.
Comment: Not observed at significant frequency in large population cohorts (gnomAD); In silico analysis indicates that this missense variant does not alter protein structure/function; Has not been previously published as pathogenic or benign to our knowledge

Labcorp Genetics (formerly Invitae), Labcorp
Classification: Uncertain significance for Ataxia-telangiectasia syndrome. Last evaluated: 2025-01-02. Review status: criteria provided, single submitter. Criteria: Invitae Variant Classification Sherloc (09022015). Collection method: clinical testing. Allele origin: germline.
Comment: This sequence change replaces isoleucine, which is neutral and non-polar, with valine, which is neutral and non-polar, at codon 2629 of the ATM protein (p.Ile2629Val). This variant is not present in population databases (gnomAD no frequency). This variant has not been reported in the literature in individuals affected with ATM-related conditions. ClinVar contains an entry for this variant (Variation ID: 1049347). Invitae Evidence Modeling of protein sequence and biophysical properties (such as structural, functional, and spatial information, amino acid conservation, physicochemical variation, residue mobility, and thermodynamic stability) indicates that this missense variant is not expected to disrupt ATM protein function with a negative predictive value of 95%. In summary, the available evidence is currently insufficient to determine the role of this variant in disease. Therefore, it has been classified as a Variant of Uncertain Significance.

Department of Pathology and Laboratory Medicine, Sinai Health System
Classification: Uncertain significance for Malignant tumor of breast. Review status: no assertion criteria provided. Collection method: clinical testing. Allele origin: unknown. Affected: yes. Study: The Canadian Open Genetics Repository (COGR). Not counted in ClinVar's aggregate classification.
Comment: The ATM p.Ile2629Val variant was not identified in the literature nor was it identified in the dbSNP, ClinVar, GeneInsight-COGR, Cosmic, MutDB and LOVD 3.0 databases. The variant was not identified in the following control databases: the 1000 Genomes Project, the NHLBI GO Exome Sequencing Project, the Exome Aggregation Consortium (August 8th 2016), or the Genome Aggregation Database (Feb 27, 2017). The p.Ile2629 residue is not conserved in mammals and computational analyses (PolyPhen-2, SIFT, AlignGVGD, BLOSUM, MutationTaster) do not suggest a high likelihood of impact to the protein; however, this information is not predictive enough to rule out pathogenicity. The variant occurs outside of the splicing consensus sequence and in silico or computational prediction software programs (SpliceSiteFinder, MaxEntScan, NNSPLICE, GeneSplicer, HumanSpliceFinder) do not predict a difference in splicing. In summary, based on the above information the clinical significance of this variant cannot be determined with certainty at this time. This variant is classified as a variant of uncertain significance.

Literature cited by the submitters: PubMed 40580951 (cited by Ambry Genetics).

NM_000051.4(ATM):c.7885A>G (p.Ile2629Val)

Genes: ATM (ATM serine/threonine kinase; plus strand), C11orf65 (chromosome 11 open reading frame 65; minus strand). Cytogenetic location: 11q22.3.
Variant type: single nucleotide variant.
Coding change: c.7885A>G on transcript NM_000051.4 (MANE Select); coding-DNA position 7885, A replaced by G.
Protein change: p.Ile2629Val; replaces isoleucine 2629 with valine.
Molecular consequence: missense variant. On other transcripts: intron variant (2).
Genome position (GRCh38, 1-based): chr11:108,332,858, A>G. VCF-style: chr11-108332858-A-G. GRCh37 (hg19) VCF-style: chr11-108203585-A-G.
Other names: c.7885A>G, p.Ile2629Val (NM_001351834.2); c.641-23787T>C (NM_001330368.2); c.*38+2362T>C (NM_001351110.2); short protein forms I2629V.
Identifiers: ClinVar variation 1049347 (VCV001049347.10), dbSNP rs2136569929, ClinGen allele CA382561443.
Genomic context (GRCh38, chr11:108,332,858, plus strand): 5'-ATCAGAAGTAGGAGACCTCAGATGGTCAGAAGTGTTGAGGCACTTTGTGATGCTTATATT[A>G]TATTAGCAAACTTAGATGCCACTCAGTGGAAGACTCAGAGAAGTATGTTTTTTTTAAAGA-3'
Protein context (NP_000042.3, residues 2619-2639): SVEALCDAYI[Ile2629Val]LANLDATQWK